The following is an entry in ClinVar:

ClinVar aggregate classification (germline): Likely pathogenic (1 of 4 stars; one submission).

Conditions:
LACC1-related condition.

gnomAD v4.1: 32 of 1,612,510 alleles (0.002%); highest among the groups gnomAD compares: African/African-American, 0.019%; no homozygotes.

Submission:

PreventionGenetics, part of Exact Sciences
Classification: Likely pathogenic for LACC1-related condition. Last evaluated: 2025-11-24. Review status: criteria provided, single submitter. Criteria: ACMG Guidelines, 2015. Collection method: clinical testing. Allele origin: germline.
Comment: The LACC1 c.1288G>T variant is predicted to result in premature protein termination (p.Glu430*). To our knowledge, this variant has not been reported in the literature. This variant is reported in 0.049% of alleles in individuals of Ashkenazi Jewish descent in gnomAD. Nonsense variants in LACC1 are expected to be pathogenic. This variant is interpreted as likely pathogenic.

NM_153218.4(LACC1):c.1288G>T (p.Glu430Ter)

Gene: LACC1 (laccase domain multifunctional purine nucleosidase 1; plus strand). Cytogenetic location: 13q14.11.
Variant type: single nucleotide variant.
Coding change: c.1288G>T on transcript NM_153218.4 (MANE Select); coding-DNA position 1288, G replaced by T.
Protein change: p.Glu430Ter; replaces glutamic acid 430 with a stop codon.
Molecular consequence: nonsense. On other transcripts: intron variant (2).
Genome position (GRCh38, 1-based): chr13:43,890,268, G>T. VCF-style: chr13-43890268-G-T. GRCh37 (hg19) VCF-style: chr13-44464404-G-T.
Other names: c.1288G>T, p.Glu430Ter (NM_001128303.2, NM_001350638.2, NM_001350639.2 and 3 more transcripts); c.520G>T, p.Glu174Ter (NM_001350644.2, NM_001350645.2, NM_001350646.2 and 1 more transcripts); c.1134-1181G>T (NM_001350643.2); c.366-1181G>T (NM_001350648.2); short protein forms E174*, E430*.
Identifiers: ClinVar variation 4989241 (VCV004989241.1).